The following is an entry in ClinVar:

ClinVar aggregate classification (germline): Uncertain significance (1 of 4 stars; one submission).

Conditions:
Cardiomyopathy, familial hypertrophic, 28. Identifiers: MedGen C5543616, MONDO:0030317, OMIM 619402.

Submission:

MGZ Medical Genetics Center
Classification: Uncertain significance for Cardiomyopathy, familial hypertrophic, 28. Last evaluated: 2022-06-08. Review status: criteria provided, single submitter. Criteria: ACMG Guidelines, 2015. Collection method: clinical testing. Allele origin: germline. Affected: yes. Observed: 1 variant allele.
Comment: ACMG criteria applied: PM2_SUP

NM_001281740.3(FHOD3):c.1721+1G>A

Gene: FHOD3 (formin homology 2 domain containing 3; plus strand). Cytogenetic location: 18q12.2.
Variant type: single nucleotide variant.
Coding change: c.1721+1G>A on transcript NM_001281740.3 (MANE Select); the canonical splice donor site of the intron after coding-DNA position 1721, G replaced by A.
Molecular consequence: splice donor variant. On other transcripts: intron variant (2).
Genome position (GRCh38, 1-based): chr18:36,653,417, G>A. VCF-style: chr18-36653417-G-A. GRCh37 (hg19) VCF-style: chr18-34233380-G-A.
Other names: c.1197-4658G>A (NM_025135.5, NM_001281739.3).
Identifiers: ClinVar variation 1709576 (VCV001709576.2), dbSNP rs2517845334, ClinGen allele CA402207575.